The following is an entry in ClinVar:

ClinVar aggregate classification (germline): Uncertain significance (1 of 4 stars; one submission).

gnomAD v4.1: 3 of 1,602,508 alleles (0.00019%); highest among the groups gnomAD compares: African/African-American, 0.0013%; no homozygotes.

Submission:

Labcorp Genetics (formerly Invitae), Labcorp
Classification: Uncertain significance. Last evaluated: 2024-06-20. Review status: criteria provided, single submitter. Criteria: Invitae Variant Classification Sherloc (09022015). Collection method: clinical testing. Allele origin: germline.
Comment: This sequence change replaces serine, which is neutral and polar, with leucine, which is neutral and non-polar, at codon 147 of the RASA2 protein (p.Ser147Leu). The frequency data for this variant in the population databases is considered unreliable, as metrics indicate poor data quality at this position in the gnomAD database. This variant has not been reported in the literature in individuals affected with RASA2-related conditions. Advanced modeling of protein sequence and biophysical properties (such as structural, functional, and spatial information, amino acid conservation, physicochemical variation, residue mobility, and thermodynamic stability) performed at Invitae indicates that this missense variant is expected to disrupt RASA2 protein function with a positive predictive value of 80%. In summary, the available evidence is currently insufficient to determine the role of this variant in disease. Therefore, it has been classified as a Variant of Uncertain Significance.

NM_006506.5(RASA2):c.440C>T (p.Ser147Leu)

Gene: RASA2 (RAS p21 protein activator 2; plus strand). Cytogenetic location: 3q23.
Variant type: single nucleotide variant.
Coding change: c.440C>T on transcript NM_006506.5 (MANE Select); coding-DNA position 440, C replaced by T.
Protein change: p.Ser147Leu; replaces serine 147 with leucine.
Molecular consequence: missense variant.
Genome position (GRCh38, 1-based): chr3:141,529,792, C>T. VCF-style: chr3-141529792-C-T. GRCh37 (hg19) VCF-style: chr3-141248634-C-T.
Other names: c.440C>T, p.Ser147Leu (NM_001303245.3, NM_001303246.3); short protein forms S147L.
Identifiers: ClinVar variation 3619726 (VCV003619726.2).